The following is an entry in ClinVar:

ClinVar aggregate classification (germline): Likely benign. Review status: criteria provided, multiple submitters, no conflicts (2 of 4 stars). 2 submissions from 2 submitters: Likely benign (2). Last evaluated 2025-02-24.

Conditions:
Mowat-Wilson syndrome (MOWS). Also called: Classic Mowat-Wilson Syndrome. Identifiers: Orphanet 2152, MedGen C1856113, MONDO:0009341, OMIM 235730.

Allele frequency attached by ClinVar (database versions not stated): gnomAD exomes 0.00001 and 0.00002; TOPMed 0.00001.
gnomAD v4.1: 35 of 1,614,146 alleles (0.0022%); highest among the groups gnomAD compares: Non-Finnish European, 0.0029%; no homozygotes.

Submissions (2):

Labcorp Genetics (formerly Invitae), Labcorp
Classification: Likely benign for Mowat-Wilson syndrome. Last evaluated: 2025-02-24. Review status: criteria provided, single submitter. Criteria: Invitae Variant Classification Sherloc (09022015). Collection method: clinical testing. Allele origin: germline.

GeneDx
Classification: Likely benign. Last evaluated: 2017-06-30. Review status: criteria provided, single submitter. Criteria: GeneDx Variant Classification (06012015). Collection method: clinical testing. Allele origin: germline. Affected: yes.
Comment: This variant is considered likely benign or benign based on one or more of the following criteria: it is a conservative change, it occurs at a poorly conserved position in the protein, it is predicted to be benign by multiple in silico algorithms, and/or has population frequency not consistent with disease.

NM_014795.4(ZEB2):c.720C>T (p.Asn240=)

Gene: ZEB2 (zinc finger E-box binding homeobox 2; minus strand). Cytogenetic location: 2q22.3.
Variant type: single nucleotide variant.
Coding change: c.720C>T on transcript NM_014795.4 (MANE Select); coding-DNA position 720, C replaced by T.
Protein change: p.Asn240=; no amino-acid change (asparagine 240 retained).
Molecular consequence: synonymous variant.
Genome position (GRCh38, 1-based): chr2:144,404,003, G>A on the plus strand (C>T on the coding strand, the complement: ZEB2 is on the minus strand). VCF-style: chr2-144404003-G-A. GRCh37 (hg19) VCF-style: chr2-145161570-G-A.
Other names: c.648C>T, p.Asn216= (NM_001171653.2).
Identifiers: ClinVar variation 510555 (VCV000510555.9), dbSNP rs1022840384, ClinGen allele CA57561787.